The following is an entry in ClinVar:

NM_004304.5(ALK):c.544G>A (p.Glu182Lys)

Gene: ALK (ALK receptor tyrosine kinase; minus strand). Cytogenetic location: 2p23.1.
Variant type: single nucleotide variant.
Coding change: c.544G>A on transcript NM_004304.5 (MANE Select); coding-DNA position 544, G replaced by A.
Protein change: p.Glu182Lys; replaces glutamic acid 182 with lysine.
Molecular consequence: missense variant.
Genome position (GRCh38, 1-based): chr2:29,920,116, C>T on the plus strand (G>A on the coding strand, the complement: ALK is on the minus strand). VCF-style: chr2-29920116-C-T. GRCh37 (hg19) VCF-style: chr2-30142982-C-T.
Other names: short protein forms E182K.
Identifiers: ClinVar variation 1747599 (VCV001747599.7), dbSNP rs1229550831, ClinGen allele CA346589829.
Genomic context (GRCh38, chr2:29,920,116, plus strand): 5'-CCTCTCTGCCCACTTCCGACGCCTTCTTCTCGGGCATCAGGCGGATCCTCAGTCGCCCTT[C>T]GCCTTGGCGAATCCACCAACTGAACAGCTCGCTGAGATTGAACTGGAGCAGCCCCACAGC-3'
Protein context (NP_004295.2, residues 172-192): ELFSWWIRQG[Glu182Lys]GRLRIRLMPE

ClinVar aggregate classification (germline): Uncertain significance. Review status: criteria provided, multiple submitters, no conflicts (2 of 4 stars). 2 submissions from 2 submitters: Uncertain significance (2). Last evaluated 2022-07-13.

Conditions:
Neuroblastoma, susceptibility to, 3. Also called: ALK-Related Neuroblastic Tumor Susceptibility. Identifiers: Orphanet 635, MedGen C2751681, MONDO:0013083, OMIM 613014.
Hereditary cancer-predisposing syndrome. Also called: Neoplastic Syndromes, Hereditary; Tumor predisposition; Hereditary Cancer Syndrome; Hereditary neoplastic syndrome. Identifiers: Orphanet 140162, MedGen C0027672, MeSH D009386, MONDO:0015356.

Allele frequency attached by ClinVar (database versions not stated): TOPMed below 0.00001.

Submissions (2):

Ambry Genetics
Classification: Uncertain significance for Hereditary cancer-predisposing syndrome. Last evaluated: 2022-07-13. Review status: criteria provided, single submitter. Criteria: Ambry Variant Classification Scheme 2023. Collection method: clinical testing. Allele origin: germline.
Comment: The p.E182K variant (also known as c.544G>A), located in coding exon 1 of the ALK gene, results from a G to A substitution at nucleotide position 544. The glutamic acid at codon 182 is replaced by lysine, an amino acid with similar properties. This amino acid position is conserved. In addition, the in silico prediction for this alteration is inconclusive. Since supporting evidence is limited at this time, the clinical significance of this alteration remains unclear.

Labcorp Genetics (formerly Invitae), Labcorp
Classification: Uncertain significance for Neuroblastoma, susceptibility to, 3. Last evaluated: 2022-04-22. Review status: criteria provided, single submitter. Criteria: Invitae Variant Classification Sherloc (09022015). Collection method: clinical testing. Allele origin: germline.
Comment: In summary, the available evidence is currently insufficient to determine the role of this variant in disease. Therefore, it has been classified as a Variant of Uncertain Significance. Algorithms developed to predict the effect of missense changes on protein structure and function are either unavailable or do not agree on the potential impact of this missense change (SIFT: "Deleterious"; PolyPhen-2: "Probably Damaging"; Align-GVGD: "Class C0"). This variant has not been reported in the literature in individuals affected with ALK-related conditions. This variant is not present in population databases (gnomAD no frequency). This sequence change replaces glutamic acid, which is acidic and polar, with lysine, which is basic and polar, at codon 182 of the ALK protein (p.Glu182Lys).